The following is an entry in ClinVar:

ClinVar aggregate classification (germline): Pathogenic/Likely pathogenic. Review status: criteria provided, multiple submitters, no conflicts (2 of 4 stars). 2 submissions from 2 submitters: Pathogenic (1); Likely pathogenic (1). Last evaluated 2023-11-03.

Conditions:
Duchenne muscular dystrophy (DMD). Also called: Duchenne Muscular Dystrophy (DMD); MUSCULAR DYSTROPHY, PSEUDOHYPERTROPHIC PROGRESSIVE, DUCHENNE TYPE. Identifiers: Orphanet 98896, MedGen C0013264, MONDO:0010679, OMIM 310200.

Submissions (2):

Labcorp Genetics (formerly Invitae), Labcorp
Classification: Pathogenic for Duchenne muscular dystrophy. Last evaluated: 2023-11-03. Review status: criteria provided, single submitter. Criteria: Invitae Variant Classification Sherloc (09022015). Collection method: clinical testing. Allele origin: germline.
Comment: This sequence change creates a premature translational stop signal (p.Leu2696Argfs*30) in the DMD gene. It is expected to result in an absent or disrupted protein product. Loss-of-function variants in DMD are known to be pathogenic (PMID: 16770791, 25007885). This variant is not present in population databases (gnomAD no frequency). This premature translational stop signal has been observed in individual(s) with DMD-related conditions (PMID: 27750387). ClinVar contains an entry for this variant (Variation ID: 2439784). For these reasons, this variant has been classified as Pathogenic.

Revvity Omics, Revvity
Classification: Likely pathogenic. Last evaluated: 2022-11-21. Review status: criteria provided, single submitter. Criteria: ACMG Guidelines, 2015. Collection method: clinical testing. Allele origin: germline.

Literature cited by the submitters: PubMed 16770791 (cited by Labcorp Genetics (formerly Invitae), Labcorp); PubMed 25007885 (cited by Labcorp Genetics (formerly Invitae), Labcorp); PubMed 27750387 (cited by Labcorp Genetics (formerly Invitae), Labcorp).

NM_004006.3(DMD):c.8087del (p.Leu2696fs)

Gene: DMD (dystrophin; minus strand). Cytogenetic location: Xp21.1.
Variant type: Deletion.
Coding change: c.8087del on transcript NM_004006.3 (MANE Select); coding-DNA position 8087, one base deleted (T; older notation c.8087delT).
Protein change: p.Leu2696fs; shifts the reading frame from leucine 2696.
Molecular consequence: frameshift variant.
Genome position (GRCh38, 1-based): chrX:31,627,803, A deleted on the plus strand (T on the coding strand, the reverse complement: DMD is on the minus strand). VCF-style (leftmost placement, unchanged base first): chrX-31627802-CA-C. GRCh37 (hg19) VCF-style: chrX-31645919-CA-C.
Other names: c.8063del, p.Leu2688fs (NM_000109.4); c.8087delT, p.Leu2696Argfs (NM_004006.2); c.8075del, p.Leu2692fs (NM_004009.3); c.7718del, p.Leu2573fs (NM_004010.3); c.4064del, p.Leu1355fs (NM_004011.4); c.4055del, p.Leu1352fs (NM_004012.4); c.707del, p.Leu236fs (NM_004013.3, NM_004020.4, NM_004021.3 and 2 more transcripts); short protein forms L1352fs, L1355fs, L236fs, L2573fs, L2688fs, L2692fs, L2696fs.
Identifiers: ClinVar variation 2439784 (VCV002439784.6), dbSNP rs2528279555, ClinGen allele CA2580100594.